The following is an entry in ClinVar:

NM_024649.5(BBS1):c.650C>T (p.Ser217Phe)

Gene: BBS1 (Bardet-Biedl syndrome 1; plus strand). Cytogenetic location: 11q13.2.
Variant type: single nucleotide variant.
Coding change: c.650C>T on transcript NM_024649.5 (MANE Select); coding-DNA position 650, C replaced by T.
Protein change: p.Ser217Phe; replaces serine 217 with phenylalanine.
Molecular consequence: missense variant.
Genome position (GRCh38, 1-based): chr11:66,519,675, C>T. VCF-style: chr11-66519675-C-T. GRCh37 (hg19) VCF-style: chr11-66287146-C-T.
Other names: short protein forms S217F.
Identifiers: ClinVar variation 2172487 (VCV002172487.2), dbSNP rs1174536049, ClinGen allele CA381458791.

ClinVar aggregate classification (germline): Uncertain significance. Review status: criteria provided, multiple submitters, no conflicts (2 of 4 stars). 2 submissions from 2 submitters: Uncertain significance (2). Last evaluated 2022-07-17.

Conditions:
Bardet-Biedl syndrome (BBS). Identifiers: Orphanet 110, MedGen C0752166, MONDO:0015229.

Allele frequency attached by ClinVar (database versions not stated): gnomAD exomes 0.00002.
gnomAD v4.1: 28 of 1,613,922 alleles (0.0017%); highest among the groups gnomAD compares: Non-Finnish European, 0.0022%; no homozygotes.

Submissions (2):

Labcorp Genetics (formerly Invitae), Labcorp
Classification: Uncertain significance for Bardet-Biedl syndrome. Last evaluated: 2022-07-17. Review status: criteria provided, single submitter. Criteria: Invitae Variant Classification Sherloc (09022015). Collection method: clinical testing. Allele origin: germline.
Comment: This sequence change replaces serine, which is neutral and polar, with phenylalanine, which is neutral and non-polar, at codon 217 of the BBS1 protein (p.Ser217Phe). This variant is not present in population databases (gnomAD no frequency). This variant has not been reported in the literature in individuals affected with BBS1-related conditions. Algorithms developed to predict the effect of missense changes on protein structure and function are either unavailable or do not agree on the potential impact of this missense change (SIFT: "Deleterious"; PolyPhen-2: "Probably Damaging"; Align-GVGD: "Class C15"). In summary, the available evidence is currently insufficient to determine the role of this variant in disease. Therefore, it has been classified as a Variant of Uncertain Significance.

Blueprint Genetics
Classification: Uncertain significance. Last evaluated: 2020-12-17. Review status: criteria provided, single submitter. Criteria: ACMG Guidelines, 2015. Collection method: clinical testing. Allele origin: germline.